The following is an entry in ClinVar:

ClinVar aggregate classification (germline): Uncertain significance. Review status: criteria provided, multiple submitters, no conflicts (2 of 4 stars). 2 submissions from 2 submitters: Uncertain significance (2). Last evaluated 2024-12-13.

Conditions:
Neuroblastoma, susceptibility to, 3. Also called: ALK-Related Neuroblastic Tumor Susceptibility. Identifiers: Orphanet 635, MedGen C2751681, MONDO:0013083, OMIM 613014.
Hereditary cancer-predisposing syndrome. Also called: Tumor predisposition; Hereditary neoplastic syndrome; Neoplastic Syndromes, Hereditary; Hereditary Cancer Syndrome. Identifiers: Orphanet 140162, MedGen C0027672, MeSH D009386, MONDO:0015356.

Allele frequency attached by ClinVar (database versions not stated): gnomAD 0.00001.
gnomAD v4.1: 1 of 1,613,786 alleles (0.000062%); no homozygotes.

Submissions (2):

Ambry Genetics
Classification: Uncertain significance for Hereditary cancer-predisposing syndrome. Last evaluated: 2024-12-13. Review status: criteria provided, single submitter. Criteria: Ambry Variant Classification Scheme 2023. Collection method: clinical testing. Allele origin: germline.
Comment: The p.F174L variant (also known as c.520T>C), located in coding exon 1 of the ALK gene, results from a T to C substitution at nucleotide position 520. The phenylalanine at codon 174 is replaced by leucine, an amino acid with highly similar properties. This amino acid position is well conserved in available vertebrate species. In addition, the in silico prediction for this alteration is inconclusive. Based on the available evidence, the clinical significance of this variant remains unclear.

Labcorp Genetics (formerly Invitae), Labcorp
Classification: Uncertain significance for Neuroblastoma, susceptibility to, 3. Last evaluated: 2021-11-05. Review status: criteria provided, single submitter. Criteria: Invitae Variant Classification Sherloc (09022015). Collection method: clinical testing. Allele origin: germline.
Comment: This variant is not present in population databases (gnomAD no frequency). In summary, the available evidence is currently insufficient to determine the role of this variant in disease. Therefore, it has been classified as a Variant of Uncertain Significance. Algorithms developed to predict the effect of missense changes on protein structure and function are either unavailable or do not agree on the potential impact of this missense change (SIFT: "Deleterious"; PolyPhen-2: "Probably Damaging"; Align-GVGD: "Class C0"). This variant has not been reported in the literature in individuals affected with ALK-related conditions. This sequence change replaces phenylalanine, which is neutral and non-polar, with leucine, which is neutral and non-polar, at codon 174 of the ALK protein (p.Phe174Leu).

NM_004304.5(ALK):c.520T>C (p.Phe174Leu)

Gene: ALK (ALK receptor tyrosine kinase; minus strand). Cytogenetic location: 2p23.1.
Variant type: single nucleotide variant.
Coding change: c.520T>C on transcript NM_004304.5 (MANE Select); coding-DNA position 520, T replaced by C.
Protein change: p.Phe174Leu; replaces phenylalanine 174 with leucine.
Molecular consequence: missense variant.
Genome position (GRCh38, 1-based): chr2:29,920,140, A>G on the plus strand (T>C on the coding strand, the complement: ALK is on the minus strand). VCF-style: chr2-29920140-A-G. GRCh37 (hg19) VCF-style: chr2-30143006-A-G.
Other names: c.520T>C (NM_004304.4); short protein forms F174L.
Identifiers: ClinVar variation 1501877 (VCV001501877.7), dbSNP rs1667950450, ClinGen allele CA346589886.